The following is an entry in ClinVar:

ClinVar aggregate classification (germline): Benign/Likely benign. Review status: criteria provided, multiple submitters, no conflicts (2 of 4 stars). 15 submissions from 12 submitters: Benign (8); Likely benign (1). 6 of the submissions do not count toward it. Last evaluated 2026-02-03.

Conditions:
Autosomal recessive limb-girdle muscular dystrophy type 2J (LGMDR10). Also called: MUSCULAR DYSTROPHY, LIMB-GIRDLE, AUTOSOMAL RECESSIVE 10; Limb-girdle muscular dystrophy, type 2J. Identifiers: Orphanet 140922, MedGen C1837342, MONDO:0012127, OMIM 608807.
Dilated cardiomyopathy 1G (CMD1G). Identifiers: Orphanet 154, MedGen C1858763, MONDO:0011400, OMIM 604145.
Early-onset myopathy with fatal cardiomyopathy (CMYO5). Also called: CONGENITAL MYOPATHY 5 WITH CARDIOMYOPATHY; Salih Myopathy. Identifiers: Orphanet 289377, MedGen C2673677, MONDO:0012714, OMIM 611705. Disease mechanism: loss of function.
Tibial muscular dystrophy (TMD). Also called: UDD MYOPATHY; Udd Distal Myopathy – Tibial Muscular Dystrophy; Tibial muscular dystrophy, tardive. Identifiers: Orphanet 609, MedGen C1838244, MONDO:0010870, OMIM 600334.
Myopathy, myofibrillar, 9, with early respiratory failure (MFM9). Also called: Hereditary myopathy with early respiratory failure; EDSTROM MYOPATHY; MYOPATHY, PROXIMAL, WITH EARLY RESPIRATORY MUSCLE INVOLVEMENT; Myopathy, distal, with early respiratory failure, autosomal dominant. Identifiers: Orphanet 178464, Orphanet 34521, MedGen C1863599, MONDO:0011362, OMIM 603689.

Allele frequency attached by ClinVar (database versions not stated): 1000 Genomes Project 30x 0.00109; 1000 Genomes Project 0.00120; TOPMed 0.00147; ESP Exome Variant Server 0.00161; gnomAD 0.00210 and 0.00217; gnomAD exomes 0.00246 and 0.00286; ExAC 0.00249.
gnomAD v4.1: 4,476 of 1,613,916 alleles (0.28%); highest among the groups gnomAD compares: Non-Finnish European, 0.29%; 11 homozygotes.

Submissions (15):

Labcorp Genetics (formerly Invitae), Labcorp
Classification: Benign for Dilated cardiomyopathy 1G; Autosomal recessive limb-girdle muscular dystrophy type 2J. Last evaluated: 2026-02-03. Review status: criteria provided, single submitter. Criteria: Invitae Variant Classification Sherloc (09022015). Collection method: clinical testing. Allele origin: germline.

Blueprint Genetics
Classification: Likely benign. Last evaluated: 2024-11-26. Review status: criteria provided, single submitter. Criteria: ACMG Guidelines, 2015. Collection method: clinical testing. Allele origin: germline.

ARUP Laboratories, Molecular Genetics and Genomics, ARUP Laboratories
Classification: Benign. Last evaluated: 2023-09-25. Review status: criteria provided, single submitter. Criteria: ARUP Molecular Germline Variant Investigation Process 2024. Collection method: clinical testing. Allele origin: germline.

Genome-Nilou Lab
Classification: Benign for Autosomal recessive limb-girdle muscular dystrophy type 2J. Last evaluated: 2021-09-10. Review status: criteria provided, single submitter. Criteria: ACMG Guidelines, 2015. Collection method: clinical testing. Allele origin: germline. Affected: no.

Genome-Nilou Lab
Classification: Benign for Myopathy, myofibrillar, 9, with early respiratory failure. Last evaluated: 2021-09-10. Review status: criteria provided, single submitter. Criteria: ACMG Guidelines, 2015. Collection method: clinical testing. Allele origin: germline. Affected: no.

Genome-Nilou Lab
Classification: Benign for Early-onset myopathy with fatal cardiomyopathy. Last evaluated: 2021-09-10. Review status: criteria provided, single submitter. Criteria: ACMG Guidelines, 2015. Collection method: clinical testing. Allele origin: germline. Affected: no.

Genome-Nilou Lab
Classification: Benign for Tibial muscular dystrophy. Last evaluated: 2021-09-10. Review status: criteria provided, single submitter. Criteria: ACMG Guidelines, 2015. Collection method: clinical testing. Allele origin: germline. Affected: no.

Women's Health and Genetics/Laboratory Corporation of America, LabCorp
Classification: Benign. Last evaluated: 2021-03-15. Review status: criteria provided, single submitter. Criteria: LabCorp Variant Classification Summary - May 2015. Collection method: clinical testing. Allele origin: germline.
Comment: Variant summary: TTN c.1398+18A>G alters a non-conserved nucleotide located close to a canonical splice site and therefore could affect mRNA splicing, leading to a significantly altered protein sequence. 4/4 computational tools predict no significant impact on normal splicing. However, these predictions have yet to be confirmed by functional studies. The variant allele was found at a frequency of 0.0025 in 250910 control chromosomes in the gnomAD database, including 1 homozygote. The observed variant frequency is approximately 6.3-fold the estimated maximal expected allele frequency for a pathogenic variant in TTN causing Dilated Cardiomyopathy phenotype (0.00039), strongly suggesting that the variant is benign. To our knowledge, no occurrence of c.1398+18A>G in individuals affected with Dilated Cardiomyopathy and no experimental evidence demonstrating its impact on protein function have been reported. One clinical diagnostic laboratory has submitted clinical-significance assessments for this variant to ClinVar after 2014 without evidence for independent evaluation and cited the variant as benign. Based on the evidence outlined above, the variant was classified as benign.

GeneDx
Classification: Benign. Last evaluated: 2014-04-19. Review status: criteria provided, single submitter. Criteria: GeneDx Variant Classification (06012015). Collection method: clinical testing. Allele origin: germline. Affected: yes.
Comment: This variant is considered likely benign or benign based on one or more of the following criteria: it is a conservative change, it occurs at a poorly conserved position in the protein, it is predicted to be benign by multiple in silico algorithms, and/or has population frequency not consistent with disease.

Clinical Genetics DNA and cytogenetics Diagnostics Lab, Erasmus MC, Erasmus Medical Center
Classification: Benign. Review status: no assertion criteria provided. Collection method: clinical testing. Allele origin: germline. Affected: yes. Study: VKGL Data-share Consensus. Not counted in ClinVar's aggregate classification.

Clinical Genetics, Academic Medical Center
Classification: Benign. Review status: no assertion criteria provided. Collection method: clinical testing. Allele origin: germline. Affected: yes. Study: VKGL Data-share Consensus. Not counted in ClinVar's aggregate classification.

Diagnostic Laboratory, Department of Genetics, University Medical Center Groningen
Classification: Likely benign. Review status: no assertion criteria provided. Collection method: clinical testing. Allele origin: germline. Affected: yes. Study: VKGL Data-share Consensus. Not counted in ClinVar's aggregate classification.

Genome Diagnostics Laboratory, University Medical Center Utrecht
Classification: Benign. Review status: no assertion criteria provided. Collection method: clinical testing. Allele origin: germline. Affected: yes. Study: VKGL Data-share Consensus. Not counted in ClinVar's aggregate classification.

Joint Genome Diagnostic Labs from Nijmegen and Maastricht, Radboudumc and MUMC+
Classification: Benign. Review status: no assertion criteria provided. Collection method: clinical testing. Allele origin: germline. Affected: yes. Study: VKGL Data-share Consensus. Not counted in ClinVar's aggregate classification.

Laboratory of Diagnostic Genome Analysis, Leiden University Medical Center (LUMC)
Classification: Likely benign. Review status: no assertion criteria provided. Collection method: clinical testing. Allele origin: germline. Affected: yes. Study: VKGL Data-share Consensus. Not counted in ClinVar's aggregate classification.

NM_001267550.2(TTN):c.1398+18A>G

Gene: TTN (titin; minus strand). Cytogenetic location: 2q31.2.
Variant type: single nucleotide variant.
Coding change: c.1398+18A>G on transcript NM_001267550.2 (MANE Select); 18 bases into the intron after coding-DNA position 1398, A replaced by G.
Molecular consequence: intron variant.
Genome position (GRCh38, 1-based): chr2:178,794,381, T>C on the plus strand (A>G on the coding strand, the complement: TTN is on the minus strand). VCF-style: chr2-178794381-T-C. GRCh37 (hg19) VCF-style: chr2-179659108-T-C.
Other names: c.1398+18A>G (NM_003319.4, NM_133437.4, NM_133432.3 and 3 more transcripts).
Identifiers: ClinVar variation 137785 (VCV000137785.32), dbSNP rs72647849, ClinGen allele CA291447.